The following is an entry in ClinVar:

ClinVar aggregate classification (germline): Uncertain significance. Review status: criteria provided, multiple submitters, no conflicts (2 of 4 stars). 4 submissions from 4 submitters: Uncertain significance (4). Last evaluated 2025-06-23.

Conditions:
Tibial muscular dystrophy (TMD). Also called: UDD MYOPATHY; Tibial muscular dystrophy, tardive; Udd Distal Myopathy – Tibial Muscular Dystrophy. Identifiers: Orphanet 609, MedGen C1838244, MONDO:0010870, OMIM 600334.
Early-onset myopathy with fatal cardiomyopathy (CMYO5). Also called: Salih Myopathy; CONGENITAL MYOPATHY 5 WITH CARDIOMYOPATHY. Identifiers: Orphanet 289377, MedGen C2673677, MONDO:0012714, OMIM 611705. Disease mechanism: loss of function.
Hypertrophic cardiomyopathy 9. Also called: Familial hypertrophic cardiomyopathy 9. Identifiers: MedGen C1861065, MONDO:0013412, OMIM 613765.
Autosomal recessive limb-girdle muscular dystrophy type 2J (LGMDR10). Also called: Limb-girdle muscular dystrophy, type 2J; MUSCULAR DYSTROPHY, LIMB-GIRDLE, AUTOSOMAL RECESSIVE 10. Identifiers: Orphanet 140922, MedGen C1837342, MONDO:0012127, OMIM 608807.
Myopathy, myofibrillar, 9, with early respiratory failure (MFM9). Also called: Hereditary myopathy with early respiratory failure; EDSTROM MYOPATHY; MYOPATHY, PROXIMAL, WITH EARLY RESPIRATORY MUSCLE INVOLVEMENT; Myopathy, distal, with early respiratory failure, autosomal dominant. Identifiers: Orphanet 178464, Orphanet 34521, MedGen C1863599, MONDO:0011362, OMIM 603689.
Dilated cardiomyopathy 1G (CMD1G). Identifiers: Orphanet 154, MedGen C1858763, MONDO:0011400, OMIM 604145.

Submissions (4):

Women's Health and Genetics/Laboratory Corporation of America, LabCorp
Classification: Uncertain significance. Last evaluated: 2025-06-23. Review status: criteria provided, single submitter. Criteria: LabCorp Variant Classification Summary - May 2015. Collection method: clinical testing. Allele origin: germline.
Comment: Variant summary: TTN c.19469_19480dup12 (p.Val6490_Lys6493dup) results in an in-frame duplication that is predicted to duplicate four amino acids into the encoded protein. The variant allele was found at a frequency of 8.1e-06 in 248182 control chromosomes. The available data on variant occurrences in the general population are insufficient to allow any conclusion about variant significance. To our knowledge, no occurrence of c.19469_19480dup12 in individuals affected with Dilated Cardiomyopathy and no experimental evidence demonstrating its impact on protein function have been reported. ClinVar contains an entry for this variant (Variation ID: 497828). Based on the evidence outlined above, the variant was classified as uncertain significance.

Fulgent Genetics
Classification: Uncertain significance for Tibial muscular dystrophy; Myopathy, myofibrillar, 9, with early respiratory failure; Dilated cardiomyopathy 1G; Autosomal recessive limb-girdle muscular dystrophy type 2J; Early-onset myopathy with fatal cardiomyopathy; Hypertrophic cardiomyopathy 9. Last evaluated: 2021-08-18. Review status: criteria provided, single submitter. Criteria: ACMG Guidelines, 2015. Collection method: clinical testing. Allele origin: unknown.

GeneDx
Classification: Uncertain significance. Last evaluated: 2019-01-25. Review status: criteria provided, single submitter. Criteria: GeneDx Variant Classification Process June 2021. Collection method: clinical testing. Allele origin: germline. Affected: yes.
Comment: Not observed at a significant frequency in large population cohorts (Lek et al., 2016; McVean et al., 2012; Exome Variant Server); In-frame insertion of 4 amino acids in a non-repeat region; Has not been previously published as pathogenic or benign to our knowledge

Eurofins Ntd Llc (ga)
Classification: Uncertain significance. Last evaluated: 2016-10-25. Review status: criteria provided, single submitter. Criteria: EGL Classification Definitions 2015. Collection method: clinical testing. Allele origin: germline. Observed: 1 variant allele, 1 heterozygote.

NM_001267550.2(TTN):c.23201_23212dup (p.Val7734_Lys7737dup)

Gene: TTN (titin; minus strand). Cytogenetic location: 2q31.2.
Variant type: Duplication.
Coding change: c.23201_23212dup on transcript NM_001267550.2 (MANE Select); coding-DNA positions 23201 to 23212, 12 bases duplicated (TATGGGTTAAAG).
Protein change: p.Val7734_Lys7737dup.
Molecular consequence: inframe insertion. On other transcripts: intron variant (3).
Genome position (GRCh38, 1-based): chr2:178,720,550-178,720,561, CTTTAACCCATA duplicated on the plus strand (TATGGGTTAAAG on the coding strand, the reverse complement: TTN is on the minus strand); duplicating any 12 consecutive bases within chr2:178,720,550-178,720,563 gives the same sequence; the c. name uses the placement nearest the transcript's 3' end. VCF-style (leftmost placement, unchanged base first): chr2-178720549-T-TCTTTAACCCATA. GRCh37 (hg19) VCF-style: chr2-179585276-T-TCTTTAACCCATA.
Other names: c.19469_19480dup12 (NM_133378.4); c.22250_22261dup, p.Val7417_Lys7420dup (NM_001256850.1); c.19469_19480dup, p.Val6490_Lys6493dup (NM_133378.4); c.13282+17521_13282+17532dup (NM_003319.4); c.13858+17521_13858+17532dup (NM_133437.4); c.13657+17521_13657+17532dup (NM_133432.3).
Identifiers: ClinVar variation 497828 (VCV000497828.9), dbSNP rs1451740768, ClinGen allele CA538437576.